The following is an entry in ClinVar:

ClinVar aggregate classification (germline): Uncertain significance (1 of 4 stars; one submission).

Conditions:
Cardiovascular phenotype. Identifiers: MedGen CN230736.

gnomAD v4.1: 8 of 1,614,038 alleles (0.0005%); highest among the groups gnomAD compares: Non-Finnish European, 0.00068%; no homozygotes.

Submission:

Ambry Genetics
Classification: Uncertain significance for Cardiovascular phenotype. Last evaluated: 2025-09-08. Review status: criteria provided, single submitter. Criteria: Ambry Variant Classification Scheme 2023. Collection method: clinical testing. Allele origin: germline.
Comment: The p.Y3720H variant (also known as c.11158T>C), located in coding exon 16 of the ALMS1 gene, results from a T to C substitution at nucleotide position 11158. The tyrosine at codon 3720 is replaced by histidine, an amino acid with similar properties. This amino acid position is highly conserved in available vertebrate species. In addition, this alteration is predicted to be tolerated by in silico analysis. Based on the available evidence, the clinical significance of this variant remains unclear.

NM_001378454.1(ALMS1):c.11155T>C (p.Tyr3719His)

Gene: ALMS1 (ALMS1 centrosome and basal body associated protein; plus strand). Cytogenetic location: 2p13.1.
Variant type: single nucleotide variant.
Coding change: c.11155T>C on transcript NM_001378454.1 (MANE Select); coding-DNA position 11155, T replaced by C.
Protein change: p.Tyr3719His; replaces tyrosine 3719 with histidine.
Molecular consequence: missense variant.
Genome position (GRCh38, 1-based): chr2:73,573,032, T>C. VCF-style: chr2-73573032-T-C. GRCh37 (hg19) VCF-style: chr2-73800159-T-C.
Other names: c.11158T>C, p.Tyr3720His (NM_015120.4); short protein forms Y3720H, Y3719H.
Identifiers: ClinVar variation 4274891 (VCV004274891.1).